The following is an entry in ClinVar:

ClinVar aggregate classification (germline): Uncertain significance. Review status: criteria provided, multiple submitters, no conflicts (2 of 4 stars). 4 submissions from 4 submitters: Uncertain significance (4). Last evaluated 2026-07-02.

Conditions:
Hereditary nonpolyposis colorectal neoplasms. Identifiers: MedGen C0009405, MeSH D003123.
Hereditary cancer-predisposing syndrome. Also called: Neoplastic Syndromes, Hereditary; Hereditary neoplastic syndrome; Hereditary Cancer Syndrome; Tumor predisposition. Identifiers: Orphanet 140162, MedGen C0027672, MeSH D009386, MONDO:0015356.

Submissions (4):

Ambry Genetics
Classification: Uncertain significance for Hereditary cancer-predisposing syndrome. Last evaluated: 2026-07-02. Review status: criteria provided, single submitter. Criteria: Ambry Variant Classification Scheme 2023. Collection method: clinical testing. Allele origin: germline.
Comment: The p.Y151N variant (also known as c.451T>A), located in coding exon 2 of the MSH6 gene, results from a T to A substitution at nucleotide position 451. The tyrosine at codon 151 is replaced by asparagine, an amino acid with dissimilar properties. This amino acid position is conserved. In addition, this alteration is predicted to be deleterious by in silico analysis. Based on the available evidence, the clinical significance of this variant remains unclear.

Labcorp Genetics (formerly Invitae), Labcorp
Classification: Uncertain significance for Hereditary nonpolyposis colorectal neoplasms. Last evaluated: 2025-03-11. Review status: criteria provided, single submitter. Criteria: Invitae Variant Classification Sherloc (09022015). Collection method: clinical testing. Allele origin: germline.
Comment: This sequence change replaces tyrosine, which is neutral and polar, with asparagine, which is neutral and polar, at codon 151 of the MSH6 protein (p.Tyr151Asn). This variant is not present in population databases (gnomAD no frequency). This variant has not been reported in the literature in individuals affected with MSH6-related conditions. ClinVar contains an entry for this variant (Variation ID: 455325). Invitae Evidence Modeling of protein sequence and biophysical properties (such as structural, functional, and spatial information, amino acid conservation, physicochemical variation, residue mobility, and thermodynamic stability) has been performed for this missense variant. However, the output from this modeling did not meet the statistical confidence thresholds required to predict the impact of this variant on MSH6 protein function. In summary, the available evidence is currently insufficient to determine the role of this variant in disease. Therefore, it has been classified as a Variant of Uncertain Significance.

Quest Diagnostics Nichols Institute San Juan Capistrano
Classification: Uncertain significance. Last evaluated: 2024-07-29. Review status: criteria provided, single submitter. Criteria: Quest Diagnostics criteria. Collection method: clinical testing. Allele origin: unknown.
Comment: The MSH6 c.451T>A (p.Tyr151Asn) variant has not been reported in individuals with MSH6-related conditions in the published literature. It also has not been reported in large, multi-ethnic general populations (Genome Aggregation Database). Analysis of this variant using bioinformatics tools for the prediction of the effect of amino acid changes on protein structure and function yielded predictions that this variant is benign. Based on the available information, we are unable to determine the clinical significance of this variant.

Color Diagnostics, LLC DBA Color Health
Classification: Uncertain significance for Hereditary cancer-predisposing syndrome. Last evaluated: 2024-03-06. Review status: criteria provided, single submitter. Criteria: ACMG Guidelines, 2015. Collection method: clinical testing. Allele origin: germline.
Comment: This missense variant replaces tyrosine with asparagine at codon 151 of the MSH6 protein. Computational prediction suggests that this variant may have deleterious impact on protein structure and function (internally defined REVEL score threshold >= 0.7, PMID: 27666373). To our knowledge, functional studies have not been reported for this variant. This variant has not been reported in individuals affected with hereditary cancer in the literature. This variant has not been identified in the general population by the Genome Aggregation Database (gnomAD). The available evidence is insufficient to determine the role of this variant in disease conclusively. Therefore, this variant is classified as a Variant of Uncertain Significance.

NM_000179.3(MSH6):c.451T>A (p.Tyr151Asn)

Gene: MSH6 (mutS homolog 6; plus strand). Cytogenetic location: 2p16.3.
Variant type: single nucleotide variant.
Coding change: c.451T>A on transcript NM_000179.3 (MANE Select); coding-DNA position 451, T replaced by A.
Protein change: p.Tyr151Asn; replaces tyrosine 151 with asparagine.
Molecular consequence: missense variant. On other transcripts: 5 prime UTR variant (2), intron variant (1).
Genome position (GRCh38, 1-based): chr2:47,791,117, T>A. VCF-style: chr2-47791117-T-A. GRCh37 (hg19) VCF-style: chr2-48018256-T-A.
Other names: c.-286T>A (NM_001281493.2); c.-452T>A (NM_001281494.2); c.238-7494T>A (NM_001281492.2); short protein forms Y151N.
Identifiers: ClinVar variation 455325 (VCV000455325.14), dbSNP rs1060502904, ClinGen allele CA346737199.